The following is an entry in ClinVar:

NM_002979.5(SCP2):c.872A>G (p.Lys291Arg)

Gene: SCP2 (sterol carrier protein 2; plus strand). Cytogenetic location: 1p32.3.
Variant type: single nucleotide variant.
Coding change: c.872A>G on transcript NM_002979.5 (MANE Select); coding-DNA position 872, A replaced by G.
Protein change: p.Lys291Arg; replaces lysine 291 with arginine.
Molecular consequence: missense variant.
Genome position (GRCh38, 1-based): chr1:52,980,442, A>G. VCF-style: chr1-52980442-A-G. GRCh37 (hg19) VCF-style: chr1-53446114-A-G.
Other names: c.740A>G, p.Lys247Arg (NM_001007098.3, NM_001193600.2); c.800A>G, p.Lys267Arg (NM_001193599.2); c.629A>G, p.Lys210Arg (NM_001193617.2); c.872A>G, p.Lys291Arg (NM_001330587.2); short protein forms K210R, K247R, K267R, K291R.
Identifiers: ClinVar variation 3613812 (VCV003613812.2).
Genomic context (GRCh38, chr1:52,980,442, plus strand): 5'-GGTTTTGGTTTTAGGTTGGCTTTGATATGAGTAAAGAAGCTGCAAGAAAATGCTATGAGA[A>G]ATCTGGCCTGACACCAAATGATATTGACGTAATAGAACTTCACGATTGCTTTTCTACCAA-3'
Protein context (NP_002970.2, residues 281-301): SKEAARKCYE[Lys291Arg]SGLTPNDIDV

ClinVar aggregate classification (germline): Uncertain significance (1 of 4 stars; one submission).

gnomAD v4.1: 1 of 1,614,118 alleles (0.000062%); no homozygotes.

Submission:

Labcorp Genetics (formerly Invitae), Labcorp
Classification: Uncertain significance. Last evaluated: 2024-11-18. Review status: criteria provided, single submitter. Criteria: Invitae Variant Classification Sherloc (09022015). Collection method: clinical testing. Allele origin: germline.
Comment: This sequence change replaces lysine, which is basic and polar, with arginine, which is basic and polar, at codon 291 of the SCP2 protein (p.Lys291Arg). This variant is not present in population databases (gnomAD no frequency). This variant has not been reported in the literature in individuals affected with SCP2-related conditions. An algorithm developed to predict the effect of missense changes on protein structure and function (PolyPhen-2) suggests that this variant is likely to be disruptive. In summary, the available evidence is currently insufficient to determine the role of this variant in disease. Therefore, it has been classified as a Variant of Uncertain Significance.